The following is an entry in ClinVar:

NM_024580.6(EFL1):c.3079G>A (p.Val1027Met)

Gene: EFL1 (elongation factor like GTPase 1; minus strand). Cytogenetic location: 15q25.2.
Variant type: single nucleotide variant.
Coding change: c.3079G>A on transcript NM_024580.6 (MANE Select); coding-DNA position 3079, G replaced by A.
Protein change: p.Val1027Met; replaces valine 1027 with methionine.
Molecular consequence: missense variant. On other transcripts: non-coding transcript variant (1).
Genome position (GRCh38, 1-based): chr15:82,138,753, C>T on the plus strand (G>A on the coding strand, the complement: EFL1 is on the minus strand). VCF-style: chr15-82138753-C-T. GRCh37 (hg19) VCF-style: chr15-82431094-C-T.
Other names: c.2926G>A, p.Val976Met (NM_001040610.3); c.2290G>A, p.Val764Met (NM_001322844.2); c.3079G>A, p.Val1027Met (NM_001322845.2); short protein forms V1027M, V764M, V976M.
Identifiers: ClinVar variation 1995671 (VCV001995671.5), dbSNP rs1283732604, ClinGen allele CA393283171.

ClinVar aggregate classification (germline): Uncertain significance. Review status: criteria provided, multiple submitters, no conflicts (2 of 4 stars). 2 submissions from 2 submitters: Uncertain significance (2). Last evaluated 2022-05-17.

Submissions (2):

Labcorp Genetics (formerly Invitae), Labcorp
Classification: Uncertain significance. Last evaluated: 2022-05-17. Review status: criteria provided, single submitter. Criteria: Invitae Variant Classification Sherloc (09022015). Collection method: clinical testing. Allele origin: germline.
Comment: In summary, the available evidence is currently insufficient to determine the role of this variant in disease. Therefore, it has been classified as a Variant of Uncertain Significance. Algorithms developed to predict the effect of missense changes on protein structure and function are either unavailable or do not agree on the potential impact of this missense change (SIFT: "Tolerated"; PolyPhen-2: "Probably Damaging"; Align-GVGD: "Class C0"). This variant has not been reported in the literature in individuals affected with EFL1-related conditions. This variant is not present in population databases (gnomAD no frequency). This sequence change replaces valine, which is neutral and non-polar, with methionine, which is neutral and non-polar, at codon 1027 of the EFL1 protein (p.Val1027Met).

Blueprint Genetics
Classification: Uncertain significance. Last evaluated: 2020-10-18. Review status: criteria provided, single submitter. Criteria: ACMG Guidelines, 2015. Collection method: clinical testing. Allele origin: germline.